The following is an entry in ClinVar:

NM_000038.6(APC):c.181G>C (p.Ala61Pro)

Gene: APC (APC regulator of Wnt signaling pathway; plus strand). Cytogenetic location: 5q22.2.
Variant type: single nucleotide variant.
Coding change: c.181G>C on transcript NM_000038.6 (MANE Select); coding-DNA position 181, G replaced by C.
Protein change: p.Ala61Pro; replaces alanine 61 with proline.
Molecular consequence: missense variant. On other transcripts: 5 prime UTR variant (1).
Genome position (GRCh38, 1-based): chr5:112,766,371, G>C. VCF-style: chr5-112766371-G-C. GRCh37 (hg19) VCF-style: chr5-112102068-G-C.
Other names: c.181G>C, p.Ala61Pro (NM_001127510.3, NM_001354895.2, NM_001354896.2 and 2 more transcripts); c.211G>C, p.Ala71Pro (NM_001127511.3, NM_001354897.2, NM_001354902.2); c.106G>C, p.Ala36Pro (NM_001354898.2, NM_001354904.2); c.4G>C, p.Ala2Pro (NM_001354900.2, NM_001354901.2, NM_001354905.2); c.-855G>C (NM_001354906.2); short protein forms A36P, A71P, A2P, A61P.
Identifiers: ClinVar variation 820135 (VCV000820135.19), dbSNP rs786201989, ClinGen allele CA16021744.

ClinVar aggregate classification (germline): Uncertain significance. Review status: criteria provided, multiple submitters, no conflicts (2 of 4 stars). 4 submissions from 4 submitters: Uncertain significance (4). Last evaluated 2025-07-27.

Conditions:
Familial adenomatous polyposis 1 (FAP1). Also called: FAMILIAL ADENOMATOUS POLYPOSIS 1, ATTENUATED; POLYPOSIS, ADENOMATOUS INTESTINAL. Identifiers: MedGen C2713442, MONDO:0021056, OMIM 175100. Disease mechanism: loss of function.
Classic or attenuated familial adenomatous polyposis. Identifiers: MedGen CN372698, MONDO:0021057.
Hereditary cancer-predisposing syndrome. Also called: Neoplastic Syndromes, Hereditary; Tumor predisposition; Hereditary Cancer Syndrome; Hereditary neoplastic syndrome. Identifiers: Orphanet 140162, MedGen C0027672, MeSH D009386, MONDO:0015356.

gnomAD v4.1: 3 of 1,612,326 alleles (0.00019%); highest among the groups gnomAD compares: Non-Finnish European, 0.00025%; no homozygotes.

Submissions (4):

Labcorp Genetics (formerly Invitae), Labcorp
Classification: Uncertain significance for Familial adenomatous polyposis 1. Last evaluated: 2025-07-27. Review status: criteria provided, single submitter. Criteria: Invitae Variant Classification Sherloc (09022015). Collection method: clinical testing. Allele origin: germline.
Comment: This sequence change replaces alanine, which is neutral and non-polar, with proline, which is neutral and non-polar, at codon 61 of the APC protein (p.Ala61Pro). This variant is not present in population databases (gnomAD no frequency). This variant has not been reported in the literature in individuals affected with APC-related conditions. ClinVar contains an entry for this variant (Variation ID: 820135). Invitae Evidence Modeling of protein sequence and biophysical properties (such as structural, functional, and spatial information, amino acid conservation, physicochemical variation, residue mobility, and thermodynamic stability) indicates that this missense variant is not expected to disrupt APC protein function with a negative predictive value of 95%. In summary, the available evidence is currently insufficient to determine the role of this variant in disease. Therefore, it has been classified as a Variant of Uncertain Significance.

All of Us Research Program, National Institutes of Health
Classification: Uncertain significance for Classic or attenuated familial adenomatous polyposis. Last evaluated: 2024-03-24. Review status: criteria provided, single submitter. Criteria: ACMG Guidelines, 2015. Collection method: clinical testing. Allele origin: germline. Inheritance: Autosomal dominant inheritance. Observed: 4 variant alleles, 4 heterozygotes.
Comment: This missense variant replaces alanine with proline at codon 61 of the APC protein. Computational prediction suggests that this variant may not impact protein structure and function (internally defined REVEL score threshold <= 0.5, PMID: 27666373). To our knowledge, functional studies have not been reported for this variant. This variant has not been reported in individuals affected with APC-related disorders in the literature. This variant has not been identified in the general population by the Genome Aggregation Database (gnomAD). The available evidence is insufficient to determine the role of this variant in disease conclusively. Therefore, this variant is classified as a Variant of Uncertain Significance.

This study involves interpretation of variants in research participants for the purpose of population health screening. Participant phenotype was not available at the time of variant classification. Additional details can be found in publication PMID: 35346344, PMCID: PMC8962531

Ambry Genetics
Classification: Uncertain significance for Hereditary cancer-predisposing syndrome. Last evaluated: 2024-03-24. Review status: criteria provided, single submitter. Criteria: Ambry Variant Classification Scheme 2023. Collection method: clinical testing. Allele origin: germline.
Comment: The p.A61P variant (also known as c.181G>C), located in coding exon 2 of the APC gene, results from a G to C substitution at nucleotide position 181. The alanine at codon 61 is replaced by proline, an amino acid with highly similar properties. This amino acid position is not well conserved in available vertebrate species. In addition, in silico predictors for this gene do not accurately predict pathogenicity. Since supporting evidence is limited at this time, the clinical significance of this alteration remains unclear.

Color Diagnostics, LLC DBA Color Health
Classification: Uncertain significance for Hereditary cancer-predisposing syndrome. Last evaluated: 2024-03-06. Review status: criteria provided, single submitter. Criteria: ACMG Guidelines, 2015. Collection method: clinical testing. Allele origin: germline.
Comment: This missense variant replaces alanine with proline at codon 61 of the APC protein. Computational prediction suggests that this variant may not impact protein structure and function (internally defined REVEL score threshold <= 0.5, PMID: 27666373). To our knowledge, functional studies have not been reported for this variant. This variant has not been reported in individuals affected with APC-related disorders in the literature. This variant has not been identified in the general population by the Genome Aggregation Database (gnomAD). The available evidence is insufficient to determine the role of this variant in disease conclusively. Therefore, this variant is classified as a Variant of Uncertain Significance.